The following is an entry in ClinVar:

ClinVar aggregate classification (germline): Uncertain significance (1 of 4 stars; one submission).

Conditions:
Transcobalamin II deficiency (TCN2D). Also called: Transcolabamin II deficiency; TC II DEFICIENCY; TCN2 DEFICIENCY. Identifiers: Orphanet 859, MedGen C0342701, MONDO:0010149, OMIM 275350.

gnomAD v4.1: 1 of 1,614,076 alleles (0.000062%); highest among the groups gnomAD compares: Non-Finnish European, 0.000085%; no homozygotes.

Submission:

Labcorp Genetics (formerly Invitae), Labcorp
Classification: Uncertain significance for Transcobalamin II deficiency. Last evaluated: 2022-10-05. Review status: criteria provided, single submitter. Criteria: Invitae Variant Classification Sherloc (09022015). Collection method: clinical testing. Allele origin: germline.
Comment: In summary, the available evidence is currently insufficient to determine the role of this variant in disease. Therefore, it has been classified as a Variant of Uncertain Significance. This variant has not been reported in the literature in individuals affected with TCN2-related conditions. This variant is not present in population databases (gnomAD no frequency). This sequence change disrupts the translational stop signal of the TCN2 mRNA. It is expected to extend the length of the TCN2 protein by 14 additional amino acid residues.

NM_000355.4(TCN2):c.1282T>G (p.Ter428Glu)

Gene: TCN2 (transcobalamin 2; plus strand). Cytogenetic location: 22q12.2.
Variant type: single nucleotide variant.
Coding change: c.1282T>G on transcript NM_000355.4 (MANE Select); coding-DNA position 1282, T replaced by G.
Protein change: p.Ter428Glu.
Molecular consequence: stop lost.
Genome position (GRCh38, 1-based): chr22:30,626,519, T>G. VCF-style: chr22-30626519-T-G. GRCh37 (hg19) VCF-style: chr22-31022506-T-G.
Other names: c.1201T>G, p.Ter401Glu (NM_001184726.2).
Identifiers: ClinVar variation 2075873 (VCV002075873.4), dbSNP rs2517926297, ClinGen allele CA411204239.